The following is an entry in ClinVar:

ClinVar aggregate classification (germline): Uncertain significance (1 of 4 stars; one submission).

Submission:

Labcorp Genetics (formerly Invitae), Labcorp
Classification: Uncertain significance. Last evaluated: 2023-07-17. Review status: criteria provided, single submitter. Criteria: Invitae Variant Classification Sherloc (09022015). Collection method: clinical testing. Allele origin: germline.
Comment: This sequence change creates a premature translational stop signal (p.Asp667Glufs*5) in the GZF1 gene. While this is not anticipated to result in nonsense mediated decay, it is expected to disrupt the last 45 amino acid(s) of the GZF1 protein. This variant is not present in population databases (gnomAD no frequency). This variant has not been reported in the literature in individuals affected with GZF1-related conditions. ClinVar contains an entry for this variant (Variation ID: 1482175). Experimental studies and prediction algorithms are not available or were not evaluated, and the functional significance of this variant is currently unknown. In summary, the available evidence is currently insufficient to determine the role of this variant in disease. Therefore, it has been classified as a Variant of Uncertain Significance.

NM_022482.5(GZF1):c.1988_2000dup (p.Asp667delinsGluGlnPheCysTer)

Gene: GZF1 (GDNF inducible zinc finger protein 1; plus strand). Cytogenetic location: 20p11.21.
Variant type: Duplication.
Coding change: c.1988_2000dup on transcript NM_022482.5 (MANE Select); coding-DNA positions 1988 to 2000, 13 bases duplicated (ACAGTTCTGCTGA).
Protein change: p.Asp667delinsGluGlnPheCysTer.
Molecular consequence: nonsense. On other transcripts: frameshift variant (1).
Genome position (GRCh38, 1-based): chr20:23,370,293-23,370,305, ACAGTTCTGCTGA duplicated; duplicating any 13 consecutive bases within chr20:23,370,291-23,370,305 gives the same sequence; the c. name uses the placement nearest the transcript's 3' end. VCF-style (leftmost placement, unchanged base first): chr20-23370290-A-AGAACAGTTCTGCT. GRCh37 (hg19) VCF-style: chr20-23350927-A-AGAACAGTTCTGCT.
Other names: c.1988_2000dup, p.Asp667delinsGluGlnPheCysTer (NM_001317012.2); c.1942_1954dup, p.Thr652fs (NM_001317019.1); short protein forms T652fs.
Identifiers: ClinVar variation 1482175 (VCV001482175.6), dbSNP rs2123084318, ClinGen allele CA2573156950.